The following is an entry in ClinVar:

NM_032043.3(BRIP1):c.1966A>T (p.Lys656Ter)

Gene: BRIP1 (BRCA1 interacting DNA helicase 1; minus strand). Cytogenetic location: 17q23.2.
Variant type: single nucleotide variant.
Coding change: c.1966A>T on transcript NM_032043.3 (MANE Select); coding-DNA position 1966, A replaced by T.
Protein change: p.Lys656Ter; replaces lysine 656 with a stop codon.
Molecular consequence: nonsense.
Genome position (GRCh38, 1-based): chr17:61,776,532, T>A on the plus strand (A>T on the coding strand, the complement: BRIP1 is on the minus strand). VCF-style: chr17-61776532-T-A. GRCh37 (hg19) VCF-style: chr17-59853893-T-A.
Other names: short protein forms K656*.
Identifiers: ClinVar variation 2584313 (VCV002584313.5), dbSNP rs1603328913, ClinGen allele CA400478540.

ClinVar aggregate classification (germline): Pathogenic. Review status: criteria provided, multiple submitters, no conflicts (2 of 4 stars). 2 submissions from 2 submitters: Pathogenic (2). Last evaluated 2023-06-05.

Conditions:
Fanconi anemia complementation group J. Also called: BRIP1-Related Fanconi Anemia. Identifiers: Orphanet 84, MedGen C1836860, MONDO:0012187, OMIM 609054.
Familial cancer of breast. Also called: Hereditary breast cancer; hereditary breast carcinoma; BREAST CANCER, FAMILIAL. Identifiers: Orphanet 227535, MedGen C0346153, MONDO:0016419, OMIM 114480. Disease mechanism: loss of function.

Submissions (2):

Myriad Genetics, Inc.
Classification: Pathogenic for Familial cancer of breast. Last evaluated: 2023-06-05. Review status: criteria provided, single submitter. Criteria: Myriad Autosomal Dominant, Autosomal Recessive and X-Linked Classification Criteria (2023). Collection method: clinical testing. Allele origin: unknown.
Comment: This variant is considered pathogenic. This variant creates a termination codon and is predicted to result in premature protein truncation.

Labcorp Genetics (formerly Invitae), Labcorp
Classification: Pathogenic for Familial cancer of breast; Fanconi anemia complementation group J. Last evaluated: 2023-02-02. Review status: criteria provided, single submitter. Criteria: Invitae Variant Classification Sherloc (09022015). Collection method: clinical testing. Allele origin: germline.
Comment: This sequence change creates a premature translational stop signal (p.Lys656*) in the BRIP1 gene. It is expected to result in an absent or disrupted protein product. Loss-of-function variants in BRIP1 are known to be pathogenic (PMID: 16116423, 17033622, 21964575). This variant is not present in population databases (gnomAD no frequency). This variant has not been reported in the literature in individuals affected with BRIP1-related conditions. For these reasons, this variant has been classified as Pathogenic.

Literature cited by the submitters: PubMed 16116423 (cited by Labcorp Genetics (formerly Invitae), Labcorp); PubMed 17033622 (cited by Labcorp Genetics (formerly Invitae), Labcorp); PubMed 21964575 (cited by Labcorp Genetics (formerly Invitae), Labcorp).